The following is an entry in ClinVar:

ClinVar aggregate classification (germline): Uncertain significance (1 of 4 stars; one submission).

Conditions:
Kabuki syndrome. Also called: NIIKAWA-KUROKI SYNDROME; Kabuki make-up syndrome. Identifiers: Orphanet 2322, MedGen C0796004, MONDO:0016512.

Submission:

Labcorp Genetics (formerly Invitae), Labcorp
Classification: Uncertain significance for Kabuki syndrome. Last evaluated: 2025-06-17. Review status: criteria provided, single submitter. Criteria: Invitae Variant Classification Sherloc (09022015). Collection method: clinical testing. Allele origin: germline.
Comment: This sequence change replaces cysteine, which is neutral and slightly polar, with serine, which is neutral and polar, at codon 1662 of the KMT2D protein (p.Cys1662Ser). This variant is not present in population databases (gnomAD no frequency). This variant has not been reported in the literature in individuals affected with KMT2D-related conditions. Invitae Evidence Modeling of protein sequence and biophysical properties (such as structural, functional, and spatial information, amino acid conservation, physicochemical variation, residue mobility, and thermodynamic stability) indicates that this missense variant is not expected to disrupt KMT2D protein function with a negative predictive value of 95%. In summary, the available evidence is currently insufficient to determine the role of this variant in disease. Therefore, it has been classified as a Variant of Uncertain Significance.

NM_003482.4(KMT2D):c.4984T>A (p.Cys1662Ser)

Gene: KMT2D (lysine methyltransferase 2D; minus strand). Cytogenetic location: 12q13.12.
Variant type: single nucleotide variant.
Coding change: c.4984T>A on transcript NM_003482.4 (MANE Select); coding-DNA position 4984, T replaced by A.
Protein change: p.Cys1662Ser; replaces cysteine 1662 with serine.
Molecular consequence: missense variant.
Genome position (GRCh38, 1-based): chr12:49,044,502, A>T on the plus strand (T>A on the coding strand, the complement: KMT2D is on the minus strand). VCF-style: chr12-49044502-A-T. GRCh37 (hg19) VCF-style: chr12-49438285-A-T.
Other names: short protein forms C1662S.
Identifiers: ClinVar variation 4801245 (VCV004801245.1).